The following is an entry in ClinVar:

NM_000428.3(LTBP2):c.5327_5330del (p.Asn1776fs)

Gene: LTBP2 (latent transforming growth factor beta binding protein 2; minus strand). Cytogenetic location: 14q24.3.
Variant type: Deletion.
Coding change: c.5327_5330del on transcript NM_000428.3 (MANE Select); coding-DNA positions 5327 to 5330, 4 bases deleted (ATGA; older notation c.5327_5330delATGA).
Protein change: p.Asn1776fs; shifts the reading frame from asparagine 1776.
Molecular consequence: frameshift variant.
Genome position (GRCh38, 1-based): chr14:74,501,020-74,501,023, TCAT deleted on the plus strand (ATGA on the coding strand, the reverse complement: LTBP2 is on the minus strand); deleting any 4 consecutive bases within chr14:74,501,020-74,501,026 gives the same sequence; the c. name uses the placement nearest the transcript's 3' end. VCF-style (leftmost placement, unchanged base first): chr14-74501019-CTCAT-C. GRCh37 (hg19) VCF-style: chr14-74967722-CTCAT-C.
Other names: short protein forms N1776fs.
Identifiers: ClinVar variation 1467518 (VCV001467518.6), dbSNP rs1365121522, ClinGen allele CA615024592.

ClinVar aggregate classification (germline): Uncertain significance (1 of 4 stars; one submission).

Submission:

Labcorp Genetics (formerly Invitae), Labcorp
Classification: Uncertain significance. Last evaluated: 2024-10-07. Review status: criteria provided, single submitter. Criteria: Invitae Variant Classification Sherloc (09022015). Collection method: clinical testing. Allele origin: germline.
Comment: This sequence change creates a premature translational stop signal (p.Asn1776Serfs*5) in the LTBP2 gene. While this is not anticipated to result in nonsense mediated decay, it is expected to disrupt the last 46 amino acid(s) of the LTBP2 protein. This variant is present in population databases (no rsID available, gnomAD 0.006%). This variant has not been reported in the literature in individuals affected with LTBP2-related conditions. ClinVar contains an entry for this variant (Variation ID: 1467518). Algorithms developed to predict the effect of sequence changes on RNA splicing suggest that this variant may disrupt the consensus splice site. In summary, the available evidence is currently insufficient to determine the role of this variant in disease. Therefore, it has been classified as a Variant of Uncertain Significance.